The following is an entry in ClinVar:

NM_052859.4(RFT1):c.49G>A (p.Gly17Ser)

Genes: RFT1 (RFT1 glycolipid translocator homolog; minus strand), LOC129936883 (ATAC-STARR-seq lymphoblastoid active region 19954; plus strand). Cytogenetic location: 3p21.1.
Variant type: single nucleotide variant.
Coding change: c.49G>A on transcript NM_052859.4 (MANE Select); coding-DNA position 49, G replaced by A.
Protein change: p.Gly17Ser; replaces glycine 17 with serine.
Molecular consequence: missense variant.
Genome position (GRCh38, 1-based): chr3:53,130,352, C>T on the plus strand (G>A on the coding strand, the complement: RFT1 is on the minus strand). VCF-style: chr3-53130352-C-T. GRCh37 (hg19) VCF-style: chr3-53164368-C-T.
Other names: short protein forms G17S.
Identifiers: ClinVar variation 2081909 (VCV002081909.4), dbSNP rs754000899, ClinGen allele CA2451579.

ClinVar aggregate classification (germline): Uncertain significance (1 of 4 stars; one submission).

Conditions:
RFT1-congenital disorder of glycosylation (CDG1N). Also called: CDG In; RFT1-CDG; Congenital disorder of glycosylation type In. Identifiers: Orphanet 244310, MedGen C2677590, MONDO:0012783, OMIM 612015.

Allele frequency attached by ClinVar (database versions not stated): gnomAD 0.00002; TOPMed 0.00002; ExAC 0.00005.
gnomAD v4.1: 5 of 1,568,776 alleles (0.00032%); highest among the groups gnomAD compares: Non-Finnish European, 0.00035%; no homozygotes.

Submission:

Labcorp Genetics (formerly Invitae), Labcorp
Classification: Uncertain significance for RFT1-congenital disorder of glycosylation. Last evaluated: 2022-06-04. Review status: criteria provided, single submitter. Criteria: Invitae Variant Classification Sherloc (09022015). Collection method: clinical testing. Allele origin: germline.
Comment: This sequence change replaces glycine, which is neutral and non-polar, with serine, which is neutral and polar, at codon 17 of the RFT1 protein (p.Gly17Ser). The frequency data for this variant in the population databases is considered unreliable, as metrics indicate poor data quality at this position in the gnomAD database. This variant has not been reported in the literature in individuals affected with RFT1-related conditions. Algorithms developed to predict the effect of missense changes on protein structure and function output the following: SIFT: "Tolerated"; PolyPhen-2: "Benign"; Align-GVGD: "Class C0". The serine amino acid residue is found in multiple mammalian species, which suggests that this missense change does not adversely affect protein function. Algorithms developed to predict the effect of sequence changes on RNA splicing suggest that this variant may create or strengthen a splice site. In summary, the available evidence is currently insufficient to determine the role of this variant in disease. Therefore, it has been classified as a Variant of Uncertain Significance.